The following is an entry in ClinVar:

ClinVar aggregate classification (germline): Conflicting classifications of pathogenicity. Review status: criteria provided, conflicting classifications (1 of 4 stars). 5 submissions from 5 submitters: Likely pathogenic (2); Uncertain significance (2). 1 of the submissions does not count toward it. Last evaluated 2026-03-25.

Conditions:
Alopecia-intellectual disability syndrome 4. Also called: ALOPECIA-MENTAL RETARDATION SYNDROME 4. Identifiers: MedGen C5394241, MONDO:0030009, OMIM 618840.
LSS-related disorder. Also called: LSS-related condition.

Allele frequency attached by ClinVar (database versions not stated): gnomAD 0.00001 and 0.00003; ExAC 0.00003; gnomAD exomes 0.00003; TOPMed 0.00003.
gnomAD v4.1: 22 of 1,613,720 alleles (0.0014%); highest among the groups gnomAD compares: Middle Eastern, 0.016%; 1 homozygote.

Submissions (6):

GeneDx
Classification: Uncertain significance. Last evaluated: 2026-03-25. Review status: criteria provided, single submitter. Criteria: GeneDx Variant Classification Process June 2021. Collection method: clinical testing. Allele origin: germline. Affected: yes.
Comment: Observed with a second LSS variant on the opposite allele (in trans) in two siblings with LSS-related clinical features in published literature (PMID: 30723320); Published functional studies suggest a damaging effect with complete in-frame skipping of exon 12 (PMID: 30723320); This variant is associated with the following publications: (PMID: 34426522, 30723320)

Labcorp Genetics (formerly Invitae), Labcorp
Classification: Likely pathogenic. Last evaluated: 2025-12-15. Review status: criteria provided, single submitter. Criteria: Invitae Variant Classification Sherloc (09022015). Collection method: clinical testing. Allele origin: germline.
Comment: This sequence change falls in intron 12 of the LSS gene. It does not directly change the encoded amino acid sequence of the LSS protein. RNA analysis indicates that this variant induces altered splicing and likely results in a shortened protein product. This variant is present in population databases (rs748758448, gnomAD 0.01%). This variant has been observed in individual(s) with LSS-related conditions (PMID: 30723320). It has also been observed to segregate with disease in related individuals. ClinVar contains an entry for this variant (Variation ID: 834067). Variants that disrupt the consensus splice site are a relatively common cause of aberrant splicing (PMID: 17576681, 9536098). Studies have shown that this variant results in skipping of exon 12, but is expected to preserve the integrity of the reading-frame (PMID: 30723320). In summary, the currently available evidence indicates that the variant is pathogenic, but additional data are needed to prove that conclusively. Therefore, this variant has been classified as Likely Pathogenic.

Greenwood Genetic Center Diagnostic Laboratories, Greenwood Genetic Center
Classification: Likely pathogenic for LSS-related disorder. Last evaluated: 2023-11-27. Review status: criteria provided, single submitter. Criteria: ACMG Guidelines, 2015. Collection method: clinical testing. Allele origin: germline. Affected: yes.
Comment: PS3_Moderate, PM2, PP1, PP3

Blueprint Genetics
Classification: Uncertain significance. Last evaluated: 2023-11-20. Review status: criteria provided, single submitter. Criteria: ACMG Guidelines, 2015. Collection method: clinical testing. Allele origin: germline.

OMIM
Classification: Pathogenic for ALOPECIA-INTELLECTUAL DISABILITY SYNDROME 4. Last evaluated: 2022-02-10. Review status: no assertion criteria provided. Collection method: literature only. Allele origin: germline. Not counted in ClinVar's aggregate classification.

Dr. Peter K. Rogan Lab, Western University
No classification provided (evidence only). Condition: Cholangiocarcinoma. Review status: no classification provided. Collection method: in vitro. Allele origin: not applicable. Functional consequence: skipped exon, retained intron. Not counted in ClinVar's aggregate classification.

Literature cited by the submitters: PubMed 30723320 (cited by Labcorp Genetics (formerly Invitae), Labcorp); PubMed 17576681 (cited by Labcorp Genetics (formerly Invitae), Labcorp); PubMed 9536098 (cited by Labcorp Genetics (formerly Invitae), Labcorp); Besnard, T., Sloboda, N., Goldenberg, A., Kury, S., Cogne, B., Breheret, F., Trochu, E., Conrad, S., Vincent, M., Deb, W., Balguerie, X., Barbarot, S., and 27 others Biallelic pathogenic variants in the lanosterol synthase gene LSS involved in the cholesterol biosynthesis cause alopecia with intellectual disability, a rare recessive neuroectodermal syndrome. Genet. Med. 21: 2025-2035, 2019. (cited by OMIM).

NM_002340.6(LSS):c.1194+5G>A

Gene: LSS (lanosterol synthase; minus strand). Cytogenetic location: 21q22.3.
Variant type: single nucleotide variant.
Coding change: c.1194+5G>A on transcript NM_002340.6 (MANE Select); 5 bases into the intron after coding-DNA position 1194, G replaced by A.
Molecular consequence: intron variant.
Genome position (GRCh38, 1-based): chr21:46,210,683, C>T on the plus strand (G>A on the coding strand, the complement: LSS is on the minus strand). VCF-style: chr21-46210683-C-T. GRCh37 (hg19) VCF-style: chr21-47630597-C-T.
Other names: IVS12, G-A, +5; c.1161+5G>A (NM_001145436.2); c.1194+5G>A (NM_001001438.3); c.954+5G>A (NM_001145437.2).
Identifiers: ClinVar variation 834067 (VCV000834067.17), dbSNP rs748758448, ClinGen allele CA10075117.
Genomic context (GRCh38, chr21:46,210,683, plus strand): 5'-GGATGCGTGGGCTCACGTGCACAGGAAGGTCAGCTGAGGCTGAGAAAAGAGAAGGAGCCA[C>T]GAACCTCAAGCAGAGCCTGGATGGCGAATGCGGTGTCCCAGATCTGTGAGCCGTTGGTGC-3'